The following is an entry in ClinVar:

ClinVar aggregate classification (germline): Uncertain significance (1 of 4 stars; one submission).

Conditions:
Hypertrophic cardiomyopathy 25 (CMH25). Also called: CARDIOMYOPATHY, FAMILIAL HYPERTROPHIC, 25. Identifiers: MedGen C4225408, MONDO:0011843, OMIM 607487.
Primary familial hypertrophic cardiomyopathy (HCM). Identifiers: Orphanet 99739, MedGen C0949658, MeSH D024741, MONDO:0024573. Inheritance: Various modes of inheritance.

Submission:

Labcorp Genetics (formerly Invitae), Labcorp
Classification: Uncertain significance for Hypertrophic cardiomyopathy 25; Primary familial hypertrophic cardiomyopathy. Last evaluated: 2021-07-14. Review status: criteria provided, single submitter. Criteria: Invitae Variant Classification Sherloc (09022015). Collection method: clinical testing. Allele origin: germline.
Comment: This variant is not present in population databases (ExAC no frequency). In summary, the available evidence is currently insufficient to determine the role of this variant in disease. Therefore, it has been classified as a Variant of Uncertain Significance. Experimental studies and prediction algorithms are not available or were not evaluated, and the functional significance of this variant is currently unknown. This variant has not been reported in the literature in individuals affected with TCAP-related conditions. This sequence change results in a frameshift in the TCAP gene (p.Met160Argfs*23). While this is not anticipated to result in nonsense mediated decay, it is expected to disrupt the last 8 amino acid(s) of the TCAP protein and extend the protein by 14 additional amino acid residues.

NM_003673.4(TCAP):c.479_494del (p.Met160fs)

Gene: TCAP (titin-cap; plus strand). Cytogenetic location: 17q12.
Variant type: Deletion.
Coding change: c.479_494del on transcript NM_003673.4 (MANE Select); coding-DNA positions 479 to 494, 16 bases deleted (TGTCCCAGGAAGCACA).
Protein change: p.Met160fs; shifts the reading frame from methionine 160.
Molecular consequence: frameshift variant.
Genome position (GRCh38, 1-based): chr17:39,666,084-39,666,099, TGTCCCAGGAAGCACA deleted; deleting any 16 consecutive bases within chr17:39,666,082-39,666,099 gives the same sequence; the c. name uses the placement nearest the transcript's 3' end. VCF-style (leftmost placement, unchanged base first): chr17-39666081-CCATGTCCCAGGAAGCA-C. GRCh37 (hg19) VCF-style: chr17-37822334-CCATGTCCCAGGAAGCA-C.
Other names: short protein forms M160fs.
Identifiers: ClinVar variation 1505248 (VCV001505248.6), dbSNP rs2145074994, ClinGen allele CA2573153714.